The following is an entry in ClinVar:

NM_004082.5(DCTN1):c.1854+2T>C

Gene: DCTN1 (dynactin subunit 1; minus strand). Cytogenetic location: 2p13.1.
Variant type: single nucleotide variant.
Coding change: c.1854+2T>C on transcript NM_004082.5 (MANE Select); the canonical splice donor site of the intron after coding-DNA position 1854, T replaced by C.
Molecular consequence: splice donor variant.
Genome position (GRCh38, 1-based): chr2:74,368,726, A>G on the plus strand (T>C on the coding strand, the complement: DCTN1 is on the minus strand). VCF-style: chr2-74368726-A-G. GRCh37 (hg19) VCF-style: chr2-74595853-A-G.
Other names: c.1743+2T>C (NM_001190836.2); c.1785+2T>C (NM_001378992.1); c.1803+2T>C (NM_001378991.1); c.1794+2T>C (NM_001135040.3); c.1833+2T>C (NM_001190837.2); c.1452+2T>C (NM_001135041.3, NM_023019.4).
Identifiers: ClinVar variation 3756018 (VCV003756018.2).
Genomic context (GRCh38, chr2:74,368,726, plus strand): 5'-CAATGCCTGGTTCATGGCAAGTTCACTAGATTTCTGTGGAACATGTGATTGATTGGCCAT[A>G]CCTTGCAAATGAGACGAGGCATGAGCAACAGCACCAGAACGCAGTCATGGTCCCCACCTG-3'

ClinVar aggregate classification (germline): Uncertain significance (1 of 4 stars; one submission).

Conditions:
Amyotrophic lateral sclerosis type 1 (ALS1). Also called: AMYOTROPHIC LATERAL SCLEROSIS 1, FAMILIAL. Identifiers: Orphanet 803, MedGen C1862939, MONDO:0007103, OMIM 105400.
Neuronopathy, distal hereditary motor, type 7B. Also called: HMN VIIB; LOWER MOTOR NEURON DISEASE, DYNACTIN TYPE; NEURONOPATHY, DISTAL HEREDITARY MOTOR, AUTOSOMAL DOMINANT 14; NEURONOPATHY, DISTAL HEREDITARY MOTOR, HARDING TYPE VIIB; NEUROPATHY, DISTAL HEREDITARY MOTOR, HARDING TYPE VIIB; NEUROPATHY, DISTAL HEREDITARY MOTOR, WITH VOCAL CORD PARALYSIS, HARDING TYPE VIIB. Identifiers: Orphanet 139589, MedGen C1843315, MONDO:0011879, OMIM 607641.
Perry syndrome. Also called: PARKINSONISM WITH ALVEOLAR HYPOVENTILATION AND MENTAL DEPRESSION. Identifiers: Orphanet 178509, MedGen C1868594, MONDO:0008201, OMIM 168605.

Submission:

Labcorp Genetics (formerly Invitae), Labcorp
Classification: Uncertain significance for Amyotrophic lateral sclerosis type 1; Neuronopathy, distal hereditary motor, type 7B; Perry syndrome. Last evaluated: 2024-05-01. Review status: criteria provided, single submitter. Criteria: Invitae Variant Classification Sherloc (09022015). Collection method: clinical testing. Allele origin: germline.
Comment: This sequence change affects a donor splice site in intron 16 of the DCTN1 gene. It is expected to disrupt RNA splicing. Variants that disrupt the donor or acceptor splice site typically lead to a loss of protein function (PMID: 16199547), however the current clinical and genetic evidence is not sufficient to establish whether loss-of-function variants in DCTN1 cause disease. This variant is not present in population databases (gnomAD no frequency). This variant has not been reported in the literature in individuals affected with DCTN1-related conditions. Algorithms developed to predict the effect of sequence changes on RNA splicing suggest that this variant may disrupt the consensus splice site. In summary, the available evidence is currently insufficient to determine the role of this variant in disease. Therefore, it has been classified as a Variant of Uncertain Significance.

Literature cited by the submitters: PubMed 16199547.